The following is an entry in ClinVar:

ClinVar aggregate classification (germline): Benign/Likely benign. Review status: criteria provided, multiple submitters, no conflicts (2 of 4 stars). 3 submissions from 3 submitters: Benign (1); Likely benign (1). 1 of the submissions does not count toward it. Last evaluated 2025-11-09.

Conditions:
Hereditary cancer-predisposing syndrome. Also called: Neoplastic Syndromes, Hereditary; Tumor predisposition; Hereditary Cancer Syndrome; Hereditary neoplastic syndrome. Identifiers: Orphanet 140162, MedGen C0027672, MeSH D009386, MONDO:0015356.
Gorlin syndrome. Also called: Nevoid Basal Cell Carcinoma Syndrome; Basal cell nevus syndrome. Identifiers: Orphanet 377, MedGen C0004779, MONDO:0007187.
PTCH1-related disorder. Also called: PTCH1-related disorders; PTCH1-related condition.

Allele frequency attached by ClinVar (database versions not stated): gnomAD exomes below 0.00001.
gnomAD v4.1: 1 of 1,559,944 alleles (0.000064%); highest among the groups gnomAD compares: African/African-American, 0.0014%; no homozygotes.

Submissions (3):

Labcorp Genetics (formerly Invitae), Labcorp
Classification: Benign for Gorlin syndrome. Last evaluated: 2025-11-09. Review status: criteria provided, single submitter. Criteria: Invitae Variant Classification Sherloc (09022015). Collection method: clinical testing. Allele origin: germline.

Ambry Genetics
Classification: Likely benign for Hereditary cancer-predisposing syndrome. Last evaluated: 2019-11-22. Review status: criteria provided, single submitter. Criteria: Ambry Variant Classification Scheme 2023. Collection method: clinical testing. Allele origin: germline.

PreventionGenetics, part of Exact Sciences
Classification: Likely benign for PTCH1-related condition. Last evaluated: 2022-11-29. Review status: no assertion criteria provided. Collection method: clinical testing. Allele origin: germline. Not counted in ClinVar's aggregate classification.
Comment: This variant is classified as likely benign based on ACMG/AMP sequence variant interpretation guidelines (Richards et al. 2015 PMID: 25741868, with internal and published modifications).

NM_000264.5(PTCH1):c.3588C>T (p.Pro1196=)

Gene: PTCH1 (patched 1; minus strand). Cytogenetic location: 9q22.32.
Variant type: single nucleotide variant.
Coding change: c.3588C>T on transcript NM_000264.5 (MANE Select); coding-DNA position 3588, C replaced by T.
Protein change: p.Pro1196=; no amino-acid change (proline 1196 retained).
Molecular consequence: synonymous variant. On other transcripts: non-coding transcript variant (1).
Genome position (GRCh38, 1-based): chr9:95,449,285, G>A on the plus strand (C>T on the coding strand, the complement: PTCH1 is on the minus strand). VCF-style: chr9-95449285-G-A. GRCh37 (hg19) VCF-style: chr9-98211567-G-A.
Other names: c.3432C>T, p.Pro1144= (NM_001354918.2); c.3390C>T, p.Pro1130= (NM_001083602.3); c.3585C>T, p.Pro1195= (NM_001083603.3); c.3135C>T, p.Pro1045= (NM_001083604.3, NM_001083605.3, NM_001083606.3 and 1 more transcripts).
Identifiers: ClinVar variation 1732956 (VCV001732956.7), dbSNP rs1317133080, ClinGen allele CA466351795.
Genomic context (GRCh38, chr9:95,449,285, plus strand): 5'-GCTGTGCGTGTGGCCGGGCGGCATGGCGAAGCGGACCACGCTGGGGGGTGGCTCAGGGGA[G>A]GGTGTGGGCAGGCGGTTCAAGCCGTTGGCTGGAGACACCTATTTAAGGGGATTCCATGTT-3'
Protein context (NP_000255.2, residues 1186-1206): PANGLNRLPT[Pro1196=]SPEPPPSVVR